The following is an entry in ClinVar:

NM_182916.3(TRNT1):c.481+168G>C

Gene: TRNT1 (tRNA nucleotidyl transferase 1; plus strand). Cytogenetic location: 3p26.2.
Variant type: single nucleotide variant.
Coding change: c.481+168G>C on transcript NM_182916.3 (MANE Select); 168 bases into the intron after coding-DNA position 481, G replaced by C.
Molecular consequence: intron variant.
Genome position (GRCh38, 1-based): chr3:3,140,816, G>C. VCF-style: chr3-3140816-G-C. GRCh37 (hg19) VCF-style: chr3-3182500-G-C.
Other names: c.481+168G>C (NM_001367321.1, NM_001367323.1, NM_001367322.1 and 1 more transcripts).
Identifiers: ClinVar variation 684285 (VCV000684285.2), dbSNP rs334760, ClinGen allele CA68727939.
Genomic context (GRCh38, chr3:3,140,816, plus strand): 5'-CTTCTAAGAGATGGTTTAGCAGATTGCTTCAAAGAATAGTCCCTCAGCCGGGCACGGTGG[G>C]TCACGCCTGTAATCCCAGCACTTTGGGAGGCCAAGGCAGGCGGATCATGGGGTCAGGAGA-3'

ClinVar aggregate classification (germline): Benign. Review status: criteria provided, multiple submitters, no conflicts (2 of 4 stars). 2 submissions from 2 submitters: Benign (2). Last evaluated 2018-06-14.

Allele frequency attached by ClinVar (database versions not stated): gnomAD 0.99957 and 0.99953; 1000 Genomes Project 1.00000; 1000 Genomes Project 30x 1.00000; TOPMed 0.99953.
gnomAD v4.1: 771,255 of 771,346 alleles (100%); highest among the groups gnomAD compares: Middle Eastern, 100%; 385,582 homozygotes.

Submissions (2):

GeneDx
Classification: Benign. Last evaluated: 2018-06-14. Review status: criteria provided, single submitter. Criteria: GeneDx Variant Classification (06012015). Collection method: clinical testing. Allele origin: germline. Affected: yes.
Comment: This variant is considered likely benign or benign based on one or more of the following criteria: it is a conservative change, it occurs at a poorly conserved position in the protein, it is predicted to be benign by multiple in silico algorithms, and/or has population frequency not consistent with disease.

Breakthrough Genomics
Classification: Benign. Review status: criteria provided, single submitter. Criteria: ACMG Guidelines, 2015. Collection method: not provided. Allele origin: germline. Inheritance: Autosomal recessive inheritance. Affected: yes.